The following is an entry in ClinVar:

NM_001943.5(DSG2):c.1637T>C (p.Ile546Thr)

Gene: DSG2 (desmoglein 2; plus strand). Cytogenetic location: 18q12.1.
Variant type: single nucleotide variant.
Coding change: c.1637T>C on transcript NM_001943.5 (MANE Select); coding-DNA position 1637, T replaced by C.
Protein change: p.Ile546Thr; replaces isoleucine 546 with threonine.
Molecular consequence: missense variant.
Genome position (GRCh38, 1-based): chr18:31,536,415, T>C. VCF-style: chr18-31536415-T-C. GRCh37 (hg19) VCF-style: chr18-29116378-T-C.
Other names: short protein forms I546T.
Identifiers: ClinVar variation 3706128 (VCV003706128.2).

ClinVar aggregate classification (germline): Uncertain significance (1 of 4 stars; one submission).

Conditions:
Arrhythmogenic right ventricular dysplasia 10. Also called: Arrhythmogenic Right Ventricular Dysplasia/Cardiomyopathy10; ARRHYTHMOGENIC RIGHT VENTRICULAR DYSPLASIA, FAMILIAL, 10; Arrhythmogenic right ventricular dysplasia/cardiomyopathy, type 10. Identifiers: MedGen C1857777, MONDO:0012434, OMIM 610193.

Submission:

Labcorp Genetics (formerly Invitae), Labcorp
Classification: Uncertain significance for Arrhythmogenic right ventricular dysplasia 10. Last evaluated: 2024-10-20. Review status: criteria provided, single submitter. Criteria: Invitae Variant Classification Sherloc (09022015). Collection method: clinical testing. Allele origin: germline.
Comment: This sequence change replaces isoleucine, which is neutral and non-polar, with threonine, which is neutral and polar, at codon 546 of the DSG2 protein (p.Ile546Thr). This variant is not present in population databases (gnomAD no frequency). This variant has not been reported in the literature in individuals affected with DSG2-related conditions. Invitae Evidence Modeling of protein sequence and biophysical properties (such as structural, functional, and spatial information, amino acid conservation, physicochemical variation, residue mobility, and thermodynamic stability) has been performed for this missense variant. However, the output from this modeling did not meet the statistical confidence thresholds required to predict the impact of this variant on DSG2 protein function. In summary, the available evidence is currently insufficient to determine the role of this variant in disease. Therefore, it has been classified as a Variant of Uncertain Significance.